The following is an entry in ClinVar:

ClinVar aggregate classification (germline): Conflicting classifications of pathogenicity. Review status: criteria provided, conflicting classifications (1 of 4 stars). 2 submissions from 2 submitters: Uncertain significance (1); Likely benign (1). Last evaluated 2023-03-23.

Conditions:
Hereditary breast ovarian cancer syndrome. Also called: Hereditary breast and ovarian cancer; Hereditary breast and/or ovarian cancer syndrome; Hereditary breast and ovarian cancer syndrome; Hereditary breast and ovarian cancer syndrome (HBOC); Breast and ovarian cancer; BRCA1- and BRCA2-Associated Hereditary Breast and Ovarian Cancer. Identifiers: Orphanet 145, MedGen C0677776, MeSH D061325, MONDO:0003582. Disease mechanism: loss of function.
Hereditary cancer-predisposing syndrome. Also called: Hereditary neoplastic syndrome; Tumor predisposition; Neoplastic Syndromes, Hereditary; Hereditary Cancer Syndrome. Identifiers: Orphanet 140162, MedGen C0027672, MeSH D009386, MONDO:0015356.

Submissions (2):

University of Washington Department of Laboratory Medicine, University of Washington
Classification: Likely benign for Hereditary cancer-predisposing syndrome. Last evaluated: 2023-03-23. Review status: criteria provided, single submitter. Criteria: Dines et al. (Genet Med. 2020). Collection method: curation. Allele origin: germline.
Comment: Missense variant in a coldspot region where missense variants are very unlikely to be pathogenic (PMID:31911673).

BRCA2 exon 11 coldspot. Reclassification based on statistical prior probability.

Labcorp Genetics (formerly Invitae), Labcorp
Classification: Uncertain significance for Hereditary breast ovarian cancer syndrome. Last evaluated: 2022-07-19. Review status: criteria provided, single submitter. Criteria: Invitae Variant Classification Sherloc (09022015). Collection method: clinical testing. Allele origin: germline.
Comment: In summary, the available evidence is currently insufficient to determine the role of this variant in disease. Therefore, it has been classified as a Variant of Uncertain Significance. Advanced modeling of protein sequence and biophysical properties (such as structural, functional, and spatial information, amino acid conservation, physicochemical variation, residue mobility, and thermodynamic stability) performed at Invitae indicates that this missense variant is not expected to disrupt BRCA2 protein function. ClinVar contains an entry for this variant (Variation ID: 956137). This variant has not been reported in the literature in individuals affected with BRCA2-related conditions. This variant is not present in population databases (gnomAD no frequency). This sequence change replaces asparagine, which is neutral and polar, with serine, which is neutral and polar, at codon 899 of the BRCA2 protein (p.Asn899Ser).

NM_000059.4(BRCA2):c.2696A>G (p.Asn899Ser)

Gene: BRCA2 (BRCA2 DNA repair associated; plus strand). Cytogenetic location: 13q13.1.
Variant type: single nucleotide variant.
Coding change: c.2696A>G on transcript NM_000059.4 (MANE Select); coding-DNA position 2696, A replaced by G.
Protein change: p.Asn899Ser; replaces asparagine 899 with serine.
Molecular consequence: missense variant.
Genome position (GRCh38, 1-based): chr13:32,337,051, A>G. VCF-style: chr13-32337051-A-G. GRCh37 (hg19) VCF-style: chr13-32911188-A-G.
Other names: short protein forms N899S.
Identifiers: ClinVar variation 956137 (VCV000956137.11), dbSNP rs2072463113, ClinGen allele CA387773479.